The following is an entry in ClinVar:

NM_001854.4(COL11A1):c.2812C>T (p.Pro938Ser)

Gene: COL11A1 (collagen type XI alpha 1 chain; minus strand). Cytogenetic location: 1p21.1.
Variant type: single nucleotide variant.
Coding change: c.2812C>T on transcript NM_001854.4 (MANE Select); coding-DNA position 2812, C replaced by T.
Protein change: p.Pro938Ser; replaces proline 938 with serine.
Molecular consequence: missense variant. On other transcripts: non-coding transcript variant (1).
Genome position (GRCh38, 1-based): chr1:102,970,269, G>A on the plus strand (C>T on the coding strand, the complement: COL11A1 is on the minus strand). VCF-style: chr1-102970269-G-A. GRCh37 (hg19) VCF-style: chr1-103435825-G-A.
Other names: c.2464C>T, p.Pro822Ser (NM_001168249.1, NM_080630.4); c.2695C>T, p.Pro899Ser (NM_001190709.2); c.2848C>T, p.Pro950Ser (NM_080629.3); short protein forms P822S, P938S, P899S, P950S.
Identifiers: ClinVar variation 2813290 (VCV002813290.3), dbSNP rs371076582, ClinGen allele CA974257.

ClinVar aggregate classification (germline): Uncertain significance (1 of 4 stars; one submission).

Allele frequency attached by ClinVar (database versions not stated): ExAC 0.00001; ESP Exome Variant Server 0.00008.

Submission:

Labcorp Genetics (formerly Invitae), Labcorp
Classification: Uncertain significance. Last evaluated: 2022-11-10. Review status: criteria provided, single submitter. Criteria: Invitae Variant Classification Sherloc (09022015). Collection method: clinical testing. Allele origin: germline.
Comment: This variant has not been reported in the literature in individuals affected with COL11A1-related conditions. In summary, the available evidence is currently insufficient to determine the role of this variant in disease. Therefore, it has been classified as a Variant of Uncertain Significance. Advanced modeling of protein sequence and biophysical properties (such as structural, functional, and spatial information, amino acid conservation, physicochemical variation, residue mobility, and thermodynamic stability) performed at Invitae indicates that this missense variant is not expected to disrupt COL11A1 protein function. This variant is present in population databases (rs371076582, gnomAD 0.0009%). This sequence change replaces proline, which is neutral and non-polar, with serine, which is neutral and polar, at codon 938 of the COL11A1 protein (p.Pro938Ser).